The following is an entry in ClinVar:

NM_004304.5(ALK):c.1523A>G (p.Asp508Gly)

Gene: ALK (ALK receptor tyrosine kinase; minus strand). Cytogenetic location: 2p23.2.
Variant type: single nucleotide variant.
Coding change: c.1523A>G on transcript NM_004304.5 (MANE Select); coding-DNA position 1523, A replaced by G.
Protein change: p.Asp508Gly; replaces aspartic acid 508 with glycine.
Molecular consequence: missense variant.
Genome position (GRCh38, 1-based): chr2:29,320,774, T>C on the plus strand (A>G on the coding strand, the complement: ALK is on the minus strand). VCF-style: chr2-29320774-T-C. GRCh37 (hg19) VCF-style: chr2-29543640-T-C.
Other names: short protein forms D508G.
Identifiers: ClinVar variation 4271411 (VCV004271411.1).
Genomic context (GRCh38, chr2:29,320,774, plus strand): 5'-GATGGGCACCAGAGAGAAGGCAGGAGAGCAGTAGTACCTTGGTGGTCCTGGAACCGGGCA[T>C]CCTTTAGGGTCCTGACCTGCCATTGAGGAGTGTGGGGTGACAGTGTGCCTTGGGTCCAGC-3'
Protein context (NP_004295.2, residues 498-518): TPQWQVRTLK[Asp508Gly]ARFQDHQDHA

ClinVar aggregate classification (germline): Uncertain significance (1 of 4 stars; one submission).

Conditions:
Hereditary cancer-predisposing syndrome. Also called: Hereditary Cancer Syndrome; Hereditary neoplastic syndrome; Neoplastic Syndromes, Hereditary; Tumor predisposition. Identifiers: Orphanet 140162, MedGen C0027672, MeSH D009386, MONDO:0015356.

Submission:

Ambry Genetics
Classification: Uncertain significance for Hereditary cancer-predisposing syndrome. Last evaluated: 2025-08-09. Review status: criteria provided, single submitter. Criteria: Ambry Variant Classification Scheme 2023. Collection method: clinical testing. Allele origin: germline.
Comment: The p.D508G variant (also known as c.1523A>G), located in coding exon 7 of the ALK gene, results from an A to G substitution at nucleotide position 1523. The aspartic acid at codon 508 is replaced by glycine, an amino acid with similar properties. This amino acid position is conserved. In addition, this alteration is predicted to be tolerated by in silico analysis. Based on the available evidence, the clinical significance of this variant remains unclear.